The following is an entry in ClinVar:

ClinVar aggregate classification (germline): Uncertain significance (1 of 4 stars; one submission).

Allele frequency attached by ClinVar (database versions not stated): gnomAD 0.00001; gnomAD exomes 0.00002; TOPMed 0.00003; ExAC 0.00007.
gnomAD v4.1: 16 of 1,135,168 alleles (0.0014%); highest among the groups gnomAD compares: East Asian, 0.028%; no homozygotes.

Submission:

Labcorp Genetics (formerly Invitae), Labcorp
Classification: Uncertain significance. Last evaluated: 2024-10-03. Review status: criteria provided, single submitter. Criteria: Invitae Variant Classification Sherloc (09022015). Collection method: clinical testing. Allele origin: germline.
Comment: This sequence change replaces isoleucine, which is neutral and non-polar, with threonine, which is neutral and polar, at codon 680 of the IL12RB2 protein (p.Ile680Thr). This variant is present in population databases (rs781242419, gnomAD 0.05%). This variant has not been reported in the literature in individuals affected with IL12RB2-related conditions. ClinVar contains an entry for this variant (Variation ID: 2165218). An algorithm developed to predict the effect of missense changes on protein structure and function outputs the following: PolyPhen-2: "Benign". The threonine amino acid residue is found in multiple mammalian species, which suggests that this missense change does not adversely affect protein function. In summary, the available evidence is currently insufficient to determine the role of this variant in disease. Therefore, it has been classified as a Variant of Uncertain Significance.

NM_001374259.2(IL12RB2):c.2039T>C (p.Ile680Thr)

Gene: IL12RB2 (interleukin 12 receptor subunit beta 2; plus strand). Cytogenetic location: 1p31.3.
Variant type: single nucleotide variant.
Coding change: c.2039T>C on transcript NM_001374259.2 (MANE Select); coding-DNA position 2039, T replaced by C.
Protein change: p.Ile680Thr; replaces isoleucine 680 with threonine.
Molecular consequence: missense variant. On other transcripts: non-coding transcript variant (2), intron variant (3).
Genome position (GRCh38, 1-based): chr1:67,390,121, T>C. VCF-style: chr1-67390121-T-C. GRCh37 (hg19) VCF-style: chr1-67855804-T-C.
Other names: c.1781T>C, p.Ile594Thr (NM_001258215.1); c.2039T>C, p.Ile680Thr (NM_001559.3); c.1946+3452T>C (NM_001258214.1, NM_001319233.1); c.1856-5426T>C (NM_001258216.1); short protein forms I594T, I680T.
Identifiers: ClinVar variation 2165218 (VCV002165218.4), dbSNP rs781242419, ClinGen allele CA900639.
Genomic context (GRCh38, chr1:67,390,121, plus strand): 5'-AGTGGTGTAGCAGAGAAATTCCAGATCCAGCAAATAGCACTTGCGCTAAGAAATATCCCA[T>C]TGCAGAGGTAAGGTACAATTCCTCTGTGGTCAGTCAGTGGAGTTCTAGTGATCACCACAT-3'
Protein context (NP_001361188.1, residues 670-690): ANSTCAKKYP[Ile680Thr]AEEKTQLPLD